The following is an entry in ClinVar:

NM_000540.3(RYR1):c.6274+6G>A

Gene: RYR1 (ryanodine receptor 1; plus strand). Cytogenetic location: 19q13.2.
Variant type: single nucleotide variant.
Coding change: c.6274+6G>A on transcript NM_000540.3 (MANE Select); 6 bases into the intron after coding-DNA position 6274, G replaced by A.
Molecular consequence: intron variant.
Genome position (GRCh38, 1-based): chr19:38,492,642, G>A. VCF-style: chr19-38492642-G-A. GRCh37 (hg19) VCF-style: chr19-38983282-G-A.
Other names: c.6274+6G>A (NM_001042723.2).
Identifiers: ClinVar variation 3385418 (VCV003385418.2).

ClinVar aggregate classification (germline): Uncertain significance. Review status: criteria provided, multiple submitters, no conflicts (2 of 4 stars). 2 submissions from 2 submitters: Uncertain significance (2). Last evaluated 2024-09-13.

Conditions:
Malignant hyperthermia, susceptibility to, 1 (MHS1). Also called: Anesthesia related hyperthermia; Malignant hyperpyrexia; Fulminating hyperpyrexia; Pharmacogenic myopathy; Malignant hyperthermia suceptibility 1; RYR1-Related Malignant Hyperthermia Susceptibility. Identifiers: Orphanet 423, MedGen C2930980, MONDO:0007783, OMIM 145600.

Submissions (2):

All of Us Research Program, National Institutes of Health
Classification: Uncertain significance for Malignant hyperthermia, susceptibility to, 1. Last evaluated: 2024-09-13. Review status: criteria provided, single submitter. Criteria: ACMG Guidelines, 2015. Collection method: clinical testing. Allele origin: germline. Inheritance: Autosomal dominant inheritance. Observed: 1 variant allele, 1 heterozygote.
Comment: This variant causes a G to A nucleotide substitution at the +6 position of intron 38 of the RYR1 gene. To our knowledge, functional studies have not been reported for this variant. This variant has not been reported in individuals affected with RYR1-related disorders in the literature. This variant has not been identified in the general population by the Genome Aggregation Database (gnomAD). The available evidence is insufficient to determine the role of this variant in disease conclusively. Therefore, this variant is classified as a Variant of Uncertain Significance.

This study involves interpretation of variants in research participants for the purpose of population health screening. Participant phenotype was not available at the time of variant classification. Additional details can be found in publication PMID: 35346344, PMCID: PMC8962531

Color Diagnostics, LLC DBA Color Health
Classification: Uncertain significance for Malignant hyperthermia, susceptibility to, 1. Last evaluated: 2024-07-11. Review status: criteria provided, single submitter. Criteria: ACMG Guidelines, 2015. Collection method: clinical testing. Allele origin: germline.
Comment: This variant causes a G to A nucleotide substitution at the +6 position of intron 38 of the RYR1 gene. To our knowledge, functional studies have not been reported for this variant. This variant has not been reported in individuals affected with RYR1-related disorders in the literature. This variant has not been identified in the general population by the Genome Aggregation Database (gnomAD). The available evidence is insufficient to determine the role of this variant in disease conclusively. Therefore, this variant is classified as a Variant of Uncertain Significance.